The following is an entry in ClinVar:

ClinVar aggregate classification (germline): Uncertain significance (1 of 4 stars; one submission).

Conditions:
Cardiovascular phenotype. Identifiers: MedGen CN230736.

Submission:

Ambry Genetics
Classification: Uncertain significance for Cardiovascular phenotype. Last evaluated: 2021-10-29. Review status: criteria provided, single submitter. Criteria: Ambry Variant Classification Scheme 2023. Collection method: clinical testing. Allele origin: germline.
Comment: The p.D192E variant (also known as c.576T>G), located in coding exon 1 of the SHOC2 gene, results from a T to G substitution at nucleotide position 576. The aspartic acid at codon 192 is replaced by glutamic acid, an amino acid with highly similar properties. This amino acid position is conserved. In addition, this alteration is predicted to be tolerated by in silico analysis. Since supporting evidence is limited at this time, the clinical significance of this alteration remains unclear.

NM_007373.4(SHOC2):c.576T>G (p.Asp192Glu)

Gene: SHOC2 (SHOC2 leucine rich repeat scaffold protein; plus strand). Cytogenetic location: 10q25.2.
Variant type: single nucleotide variant.
Coding change: c.576T>G on transcript NM_007373.4 (MANE Select); coding-DNA position 576, T replaced by G.
Protein change: p.Asp192Glu; replaces aspartic acid 192 with glutamic acid.
Molecular consequence: missense variant.
Genome position (GRCh38, 1-based): chr10:110,964,934, T>G. VCF-style: chr10-110964934-T-G. GRCh37 (hg19) VCF-style: chr10-112724692-T-G.
Other names: c.576T>G, p.Asp192Glu (NM_001269039.3, NM_001324336.2, NM_001324337.2); short protein forms D192E.
Identifiers: ClinVar variation 1749547 (VCV001749547.2), dbSNP rs1436730166, ClinGen allele CA378386128.